The following is an entry in ClinVar:

ClinVar aggregate classification (germline): Uncertain significance (1 of 4 stars; one submission).

Conditions:
Cardiovascular phenotype. Identifiers: MedGen CN230736.
Hereditary cancer-predisposing syndrome. Also called: Hereditary Cancer Syndrome; Hereditary neoplastic syndrome; Neoplastic Syndromes, Hereditary; Tumor predisposition. Identifiers: Orphanet 140162, MedGen C0027672, MeSH D009386, MONDO:0015356.

Submission:

Ambry Genetics
Classification: Uncertain significance for Cardiovascular phenotype; Hereditary cancer-predisposing syndrome. Last evaluated: 2022-10-17. Review status: criteria provided, single submitter. Criteria: Ambry Variant Classification Scheme 2023. Collection method: clinical testing. Allele origin: germline.
Comment: The p.H391Q variant (also known as c.1173C>A), located in coding exon 11 of the LZTR1 gene, results from a C to A substitution at nucleotide position 1173. The histidine at codon 391 is replaced by glutamine, an amino acid with highly similar properties. This amino acid position is conserved. In addition, the in silico prediction for this alteration is inconclusive. Since supporting evidence is limited at this time, the clinical significance of this alteration remains unclear.

NM_006767.4(LZTR1):c.1173C>A (p.His391Gln)

Gene: LZTR1 (leucine zipper like post translational regulator 1; plus strand). Cytogenetic location: 22q11.21.
Variant type: single nucleotide variant.
Coding change: c.1173C>A on transcript NM_006767.4 (MANE Select); coding-DNA position 1173, C replaced by A.
Protein change: p.His391Gln; replaces histidine 391 with glutamine.
Molecular consequence: missense variant.
Genome position (GRCh38, 1-based): chr22:20,992,817, C>A. VCF-style: chr22-20992817-C-A. GRCh37 (hg19) VCF-style: chr22-21347106-C-A.
Other names: short protein forms H391Q.
Identifiers: ClinVar variation 1740069 (VCV001740069.2), dbSNP rs761619498, ClinGen allele CA410773711.
Genomic context (GRCh38, chr22:20,992,817, plus strand): 5'-CTCCCCCACCATTCCACCCTGCCTTCTTGTCCCCCAGCTGCCCAGTGGGAGGCTCTTCCA[C>A]GCGGCTGCTGTCATCTCGGACGCCATGTACATCTTCGGGGGCACGGTGGACAACAACATC-3'
Protein context (NP_006758.2, residues 381-401): ASELPSGRLF[His391Gln]AAAVISDAMY